The following is an entry in ClinVar:

ClinVar aggregate classification (germline): Likely pathogenic (1 of 4 stars; one submission).

Conditions:
Childhood onset hearing loss.

Submission:

National Institute on Deafness and Communication Disorders, National Institutes of Health
Classification: Likely pathogenic for Childhood onset hearing loss. Last evaluated: 2021-07-08. Review status: criteria provided, single submitter. Criteria: ClinGen HL ACMG Specifications v1. Collection method: research. Allele origin: germline, paternal. Inheritance: Autosomal recessive inheritance. Affected: yes. Observed: 4 compound heterozygotes. Clinical features observed: Childhood onset hearing loss. Segregation with disease observed.
Comment: PM2, PM3_moderate, PP1_supporting (0.73), PP3 / Modifications from PMID: 30311386 for classification: The genetic causes of hearing loss have not yet been well characterized in the Yoruba population, and the information regarding variant MAF in this population is still limited, so we did not exclude any variant based on their "high" MAF. PP3 criteria was applied even if the REVEL score was below 0.7, if at least two of the pathogenicity prediction algorithms used predicted that the variant was damaging or likely damaging.

was found associated with NM_022124.6:c.7872+1G>A

NM_022124.6(CDH23):c.3176A>T (p.Asp1059Val)

Gene: CDH23 (cadherin related 23; plus strand). Cytogenetic location: 10q22.1.
Variant type: single nucleotide variant.
Coding change: c.3176A>T on transcript NM_022124.6 (MANE Select); coding-DNA position 3176, A replaced by T.
Protein change: p.Asp1059Val; replaces aspartic acid 1059 with valine.
Molecular consequence: missense variant.
Genome position (GRCh38, 1-based): chr10:71,709,167, A>T. VCF-style: chr10-71709167-A-T. GRCh37 (hg19) VCF-style: chr10-73468924-A-T.
Other names: c.3176A>T, p.Asp1059Val (NM_001171930.2); short protein forms D1059V.
Identifiers: ClinVar variation 1027558 (VCV001027558.3), dbSNP rs1865887896, ClinGen allele CA377143317.
Genomic context (GRCh38, chr10:71,709,167, plus strand): 5'-TGGATGGGAAGTTCAGCGTGGGTTACCGCGATGCCGTTGTGAGAACCGTGGTGGGCCTGG[A>T]CCGGGAGACCACAGCCGCCTACATGCTCATCCTGGAGGCCATCGGTATGCACCAGTCCCG-3'
Protein context (NP_071407.4, residues 1049-1069): DAVVRTVVGL[Asp1059Val]RETTAAYMLI